The following is an entry in ClinVar:

NM_003193.5(TBCE):c.1337dup (p.Thr447fs)

Genes: B3GALNT2 (beta-1,3-N-acetylgalactosaminyltransferase 2; minus strand), TBCE (tubulin folding cofactor E; plus strand). Cytogenetic location: 1q42.3.
Variant type: Duplication.
Coding change: c.1337dup on transcript NM_003193.5 (MANE Select); coding-DNA position 1337, one base duplicated (T; older notation c.1337dupT).
Protein change: p.Thr447fs; shifts the reading frame from threonine 447.
Molecular consequence: frameshift variant.
Genome position (GRCh38, 1-based): chr1:235,441,880, T duplicated. VCF-style (leftmost placement, unchanged base first): chr1-235441879-C-CT. GRCh37 (hg19) VCF-style: chr1-235605194-C-CT.
Other names: c.1337dup, p.Thr447fs (NM_001079515.3); c.1490dup, p.Thr498fs (NM_001287801.2); c.998dup, p.Thr334fs (NM_001287802.2); short protein forms T334fs, T447fs, T498fs.
Identifiers: ClinVar variation 3647322 (VCV003647322.2).
Genomic context (GRCh38, chr1:235,441,879, plus strand): 5'-GGTGCACCTGAAGATTGGGAACTCAAAACACAGCAACCACTTATGCTGAAAAACCAGCTA[C>CT]TAAGTAAGAATCTCAGATTCAAATAGTTTATTTGTATTTGAGTGCTTAGGTGCTGAAACA-3'

ClinVar aggregate classification (germline): Pathogenic (1 of 4 stars; one submission).

Submission:

Labcorp Genetics (formerly Invitae), Labcorp
Classification: Pathogenic. Last evaluated: 2024-03-22. Review status: criteria provided, single submitter. Criteria: Invitae Variant Classification Sherloc (09022015). Collection method: clinical testing. Allele origin: germline.
Comment: This sequence change creates a premature translational stop signal (p.Thr447Asnfs*11) in the TBCE gene. It is expected to result in an absent or disrupted protein product. Loss-of-function variants in TBCE are known to be pathogenic (PMID: 27666369, 34134906, 34356170). This variant is not present in population databases (gnomAD no frequency). This variant has not been reported in the literature in individuals affected with TBCE-related conditions. For these reasons, this variant has been classified as Pathogenic.

Literature cited by the submitters: PubMed 27666369; PubMed 34134906; PubMed 34356170.